The following is an entry in ClinVar:

ClinVar aggregate classification (germline): Conflicting classifications of pathogenicity. Review status: criteria provided, conflicting classifications (1 of 4 stars). 8 submissions from 8 submitters: Uncertain significance (6); Likely benign (1). 1 of the submissions does not count toward it. Last evaluated 2026-07-09.

Conditions:
ATP7B-related disorder. Also called: ATP7B-related condition.
Wilson disease (WND). Also called: Wilson's disease. Identifiers: Orphanet 905, MedGen C0019202, MONDO:0010200, OMIM 277900. Disease mechanism: loss of function.

Allele frequency attached by ClinVar (database versions not stated): gnomAD 0.00017 and 0.00019; TOPMed 0.00017; ESP Exome Variant Server 0.00008; ExAC 0.00012; gnomAD exomes 0.00013 and 0.00015.
gnomAD v4.1: 248 of 1,614,046 alleles (0.015%); highest among the groups gnomAD compares: Admixed American, 0.033%; no homozygotes.

Submissions (8):

PreventionGenetics, part of Exact Sciences
Classification: Uncertain significance for ATP7B-related condition. Last evaluated: 2026-07-09. Review status: criteria provided, single submitter. Criteria: ACMG Guidelines, 2015. Collection method: clinical testing. Allele origin: germline.
Comment: The ATP7B c.740A>G variant is predicted to result in the amino acid substitution p.Glu247Gly. To our knowledge, this variant has not been reported in the literature. This variant is reported in 0.021% of alleles in individuals of European (Non-Finnish) descent in gnomAD. At this time, the clinical significance of this variant is uncertain due to the absence of conclusive functional and genetic evidence.

Labcorp Genetics (formerly Invitae), Labcorp
Classification: Likely benign for Wilson disease. Last evaluated: 2026-01-17. Review status: criteria provided, single submitter. Criteria: Invitae Variant Classification Sherloc (09022015). Collection method: clinical testing. Allele origin: germline.

Color Diagnostics, LLC DBA Color Health
Classification: Uncertain significance for Wilson disease. Last evaluated: 2025-06-05. Review status: criteria provided, single submitter. Criteria: ACMG Guidelines, 2015. Collection method: clinical testing. Allele origin: germline.
Comment: This missense variant replaces glutamic acid with glycine at codon 247 of the ATP7B protein. Computational prediction suggests that this variant may not impact protein structure and function. To our knowledge, functional studies have not been reported for this variant. This variant has not been reported in individuals affected with ATP7B-related disorders in the literature. This variant has been identified in 35/280478 chromosomes in the general population by the Genome Aggregation Database (gnomAD). The available evidence is insufficient to determine the role of this variant in disease conclusively. Therefore, this variant is classified as a Variant of Uncertain Significance.

All of Us Research Program, National Institutes of Health
Classification: Uncertain significance for Wilson disease. Last evaluated: 2024-09-06. Review status: criteria provided, single submitter. Criteria: ACMG Guidelines, 2015. Collection method: clinical testing. Allele origin: germline. Inheritance: Autosomal recessive inheritance. Observed: 48 variant alleles, 48 heterozygotes.
Comment: This missense variant replaces glutamic acid with glycine at codon 247 of the ATP7B protein. Computational prediction suggests that this variant may not impact protein structure and function (internally defined REVEL score threshold <= 0.5, PMID: 27666373). To our knowledge, functional studies have not been reported for this variant. This variant has not been reported in individuals affected with Wilson disease in the literature. This variant has been identified in 35/280478 chromosomes in the general population by the Genome Aggregation Database (gnomAD). The available evidence is insufficient to determine the role of this variant in disease conclusively. Therefore, this variant is classified as a Variant of Uncertain Significance.

This study involves interpretation of variants in research participants for the purpose of population health screening. Participant phenotype was not available at the time of variant classification. Additional details can be found in publication PMID: 35346344, PMCID: PMC8962531

GeneDx
Classification: Uncertain significance. Last evaluated: 2024-04-26. Review status: criteria provided, single submitter. Criteria: GeneDx Variant Classification Process June 2021. Collection method: clinical testing. Allele origin: germline. Affected: yes.
Comment: In silico analysis supports that this missense variant has a deleterious effect on protein structure/function; Has not been previously published as pathogenic or benign to our knowledge

Women's Health and Genetics/Laboratory Corporation of America, LabCorp
Classification: Uncertain significance. Last evaluated: 2020-11-27. Review status: criteria provided, single submitter. Criteria: LabCorp Variant Classification Summary - May 2015. Collection method: clinical testing. Allele origin: germline.
Comment: Variant summary: ATP7B c.740A>G (p.Glu247Gly) results in a non-conservative amino acid change in the encoded protein sequence. Three of five in-silico tools predict a damaging effect of the variant on protein function. The variant allele was found at a frequency of 0.00013 in 249070 control chromosomes. This frequency is not significantly higher than expected for a pathogenic variant in ATP7B causing Wilson Disease (0.00013 vs 0.0054), allowing no conclusion about variant significance. To our knowledge, no occurrence of c.740A>G in individuals affected with Wilson Disease and no experimental evidence demonstrating its impact on protein function have been reported. Three clinical diagnostic laboratories have submitted clinical-significance assessments for this variant to ClinVar after 2014 without evidence for independent evaluation. All laboratories classified the variant as uncertain significance. Based on the evidence outlined above, the variant was classified as uncertain significance.

Illumina Laboratory Services, Illumina
Classification: Uncertain significance for Wilson disease. Last evaluated: 2018-01-12. Review status: criteria provided, single submitter. Criteria: ICSL Variant Classification Criteria 13 December 2019. Collection method: clinical testing. Allele origin: germline.

Natera, Inc.
Classification: Uncertain significance for Wilson disease. Last evaluated: 2020-04-15. Review status: no assertion criteria provided. Collection method: clinical testing. Allele origin: germline. Not counted in ClinVar's aggregate classification.

NM_000053.4(ATP7B):c.740A>G (p.Glu247Gly)

Gene: ATP7B (ATPase copper transporting beta; minus strand). Cytogenetic location: 13q14.3.
Variant type: single nucleotide variant.
Coding change: c.740A>G on transcript NM_000053.4 (MANE Select); coding-DNA position 740, A replaced by G.
Protein change: p.Glu247Gly; replaces glutamic acid 247 with glycine.
Molecular consequence: missense variant.
Genome position (GRCh38, 1-based): chr13:51,974,480, T>C on the plus strand (A>G on the coding strand, the complement: ATP7B is on the minus strand). VCF-style: chr13-51974480-T-C. GRCh37 (hg19) VCF-style: chr13-52548616-T-C.
Other names: c.740A>G, p.Glu247Gly (NM_001005918.3, NM_001243182.2, NM_001330578.2 and 1 more transcripts); short protein forms E247G.
Identifiers: ClinVar variation 312396 (VCV000312396.25), dbSNP rs376398239, ClinGen allele CA6989506.